The following is an entry in ClinVar:

NM_004329.3(BMPR1A):c.239_250del (p.Gly80_Phe83del)

Gene: BMPR1A (bone morphogenetic protein receptor type 1A; plus strand). Cytogenetic location: 10q23.2.
Variant type: Deletion.
Coding change: c.239_250del on transcript NM_004329.3 (MANE Select); coding-DNA positions 239 to 250, 12 bases deleted (GACATTGCTTTG).
Protein change: p.Gly80_Phe83del.
Molecular consequence: inframe deletion. On other transcripts: inframe indel (32).
Genome position (GRCh38, 1-based): chr10:86,892,135-86,892,146, GACATTGCTTTG deleted; deleting any 12 consecutive bases within chr10:86,892,133-86,892,146 gives the same sequence; the c. name uses the placement nearest the transcript's 3' end. VCF-style (leftmost placement, unchanged base first): chr10-86892132-ATGGACATTGCTT-A. GRCh37 (hg19) VCF-style: chr10-88651889-ATGGACATTGCTT-A.
Other names: c.239_250delGACATTGCTTTG, p.Gly80_Phe83del (NM_001406559.1, NM_001406560.1, NM_001406561.1 and 23 more transcripts); c.155_166delGACATTGCTTTG, p.Gly52_Phe55del (NM_001406584.1, NM_001406585.1, NM_001406586.1 and 2 more transcripts); c.239_250del12 (NM_004329.2).
Identifiers: ClinVar variation 1790557 (VCV001790557.2), dbSNP rs2539444969, ClinGen allele CA2580082085.
Genomic context (GRCh38, chr10:86,892,132, plus strand): 5'-TAGTACTTTCTATGTGAATTTATGTTTTGTTTTGTTTTGTTTTTTTCTGTTTTAGAACTA[ATGGACATTGCTT>A]TGCCATCATAGAAGAAGATGACCAGGGAGAAACCACATTAGCTTCAGGGTGTATGAAATA-3'

ClinVar aggregate classification (germline): Uncertain significance (1 of 4 stars; one submission).

Conditions:
Hereditary cancer-predisposing syndrome. Also called: Hereditary Cancer Syndrome; Hereditary neoplastic syndrome; Tumor predisposition; Neoplastic Syndromes, Hereditary. Identifiers: Orphanet 140162, MedGen C0027672, MeSH D009386, MONDO:0015356.

Submission:

Ambry Genetics
Classification: Uncertain significance for Hereditary cancer-predisposing syndrome. Last evaluated: 2021-01-28. Review status: criteria provided, single submitter. Criteria: Ambry Variant Classification Scheme 2023. Collection method: clinical testing. Allele origin: germline.
Comment: The c.239_250del12 variant (also known as p.G80_F83del) is located in coding exon 3 of the BMPR1A gene. This variant results from an in-frame GACATTGCTTTG deletion at nucleotide positions 239 to 250. This results in the in-frame deletion of a GHCF at codon 80. This amino acid region is highly conserved in available vertebrate species. In addition, this alteration is predicted to be deleterious by in silico analysis (Choi Y et al. PLoS ONE. 2012; 7(10):e46688). Since supporting evidence is limited at this time, the clinical significance of this alteration remains unclear.